The following is an entry in ClinVar:

ClinVar aggregate classification (germline): Uncertain significance. Review status: criteria provided, multiple submitters, no conflicts (2 of 4 stars). 2 submissions from 2 submitters: Uncertain significance (2). Last evaluated 2025-10-10.

Conditions:
Inborn genetic diseases. Identifiers: MedGen C0950123, MeSH D030342.

Allele frequency attached by ClinVar (database versions not stated): gnomAD exomes below 0.00001; gnomAD 0.00001 and 0.00002; TOPMed 0.00002; ESP Exome Variant Server 0.00008.
gnomAD v4.1: 27 of 1,614,066 alleles (0.0017%); highest among the groups gnomAD compares: Non-Finnish European, 0.0021%; no homozygotes.

Submissions (2):

Labcorp Genetics (formerly Invitae), Labcorp
Classification: Uncertain significance. Last evaluated: 2025-10-10. Review status: criteria provided, single submitter. Criteria: Invitae Variant Classification Sherloc (09022015). Collection method: clinical testing. Allele origin: germline.
Comment: This sequence change replaces threonine, which is neutral and polar, with methionine, which is neutral and non-polar, at codon 14 of the EMC1 protein (p.Thr14Met). This variant is not present in population databases (gnomAD no frequency). This variant has not been reported in the literature in individuals affected with EMC1-related conditions. ClinVar contains an entry for this variant (Variation ID: 1063084). Invitae Evidence Modeling of protein sequence and biophysical properties (such as structural, functional, and spatial information, amino acid conservation, physicochemical variation, residue mobility, and thermodynamic stability) indicates that this missense variant is not expected to disrupt EMC1 protein function with a negative predictive value of 80%. In summary, the available evidence is currently insufficient to determine the role of this variant in disease. Therefore, it has been classified as a Variant of Uncertain Significance.

Ambry Genetics
Classification: Uncertain significance for Inborn genetic diseases. Last evaluated: 2024-02-12. Review status: criteria provided, single submitter. Criteria: Ambry Variant Classification Scheme 2023. Collection method: clinical testing. Allele origin: germline.

NM_015047.3(EMC1):c.41C>T (p.Thr14Met)

Gene: EMC1 (ER membrane protein complex subunit 1; minus strand). Cytogenetic location: 1p36.13.
Variant type: single nucleotide variant.
Coding change: c.41C>T on transcript NM_015047.3 (MANE Select); coding-DNA position 41, C replaced by T.
Protein change: p.Thr14Met; replaces threonine 14 with methionine.
Molecular consequence: missense variant.
Genome position (GRCh38, 1-based): chr1:19,251,469, G>A on the plus strand (C>T on the coding strand, the complement: EMC1 is on the minus strand). VCF-style: chr1-19251469-G-A. GRCh37 (hg19) VCF-style: chr1-19577963-G-A.
Other names: c.41C>T, p.Thr14Met (NM_001271427.2, NM_001271428.2, NM_001271429.2 and 2 more transcripts); c.41C>T (NM_015047.1); short protein forms T14M.
Identifiers: ClinVar variation 1063084 (VCV001063084.10), dbSNP rs377281530, ClinGen allele CA18827888.